The following is an entry in ClinVar:

ClinVar aggregate classification (germline): Uncertain significance. Review status: criteria provided, multiple submitters, no conflicts (2 of 4 stars). 4 submissions from 4 submitters: Uncertain significance (3). 1 of the submissions does not count toward it. Last evaluated 2025-08-10.

Conditions:
Inborn genetic diseases. Identifiers: MedGen C0950123, MeSH D030342.
PCNT-related disorder. Also called: PCNT-related condition.
Microcephalic osteodysplastic primordial dwarfism type II (MOPD2). Also called: Microcephalic osteodysplastic primordial dwarfism with tooth abnormalities; MOPD II; OSTEODYSPLASTIC PRIMORDIAL DWARFISM, TYPE II. Identifiers: Orphanet 2637, MedGen C0432246, MONDO:0008872, OMIM 210720.

Allele frequency attached by ClinVar (database versions not stated): gnomAD exomes 0.00004 and 0.00012; ExAC 0.00007; TOPMed 0.00015; gnomAD 0.00020 and 0.00021.
gnomAD v4.1: 95 of 1,614,124 alleles (0.0059%); highest among the groups gnomAD compares: Admixed American, 0.062%; no homozygotes.

Submissions (4):

Ambry Genetics
Classification: Uncertain significance for Inborn genetic diseases. Last evaluated: 2025-08-10. Review status: criteria provided, single submitter. Criteria: Ambry Variant Classification Scheme 2023. Collection method: clinical testing. Allele origin: germline.

Labcorp Genetics (formerly Invitae), Labcorp
Classification: Uncertain significance. Last evaluated: 2021-10-12. Review status: criteria provided, single submitter. Criteria: Invitae Variant Classification Sherloc (09022015). Collection method: clinical testing. Allele origin: germline.
Comment: This sequence change replaces isoleucine with methionine at codon 786 of the PCNT protein (p.Ile786Met). The isoleucine residue is weakly conserved and there is a small physicochemical difference between isoleucine and methionine. This variant is present in population databases (rs777841149, ExAC 0.01%). This variant has not been reported in the literature in individuals affected with PCNT-related conditions. ClinVar contains an entry for this variant (Variation ID: 895415). Algorithms developed to predict the effect of missense changes on protein structure and function output the following: SIFT: "Tolerated"; PolyPhen-2: "Benign"; Align-GVGD: "Class C0". The methionine amino acid residue is found in multiple mammalian species, which suggests that this missense change does not adversely affect protein function. In summary, the available evidence is currently insufficient to determine the role of this variant in disease. Therefore, it has been classified as a Variant of Uncertain Significance.

Illumina Laboratory Services, Illumina
Classification: Uncertain significance for Microcephalic osteodysplastic primordial dwarfism type II. Last evaluated: 2018-01-13. Review status: criteria provided, single submitter. Criteria: ICSL Variant Classification Criteria 13 December 2019. Collection method: clinical testing. Allele origin: germline.

PreventionGenetics, part of Exact Sciences
Classification: Uncertain significance for PCNT-related condition. Last evaluated: 2023-12-26. Review status: no assertion criteria provided. Collection method: clinical testing. Allele origin: germline. Not counted in ClinVar's aggregate classification.
Comment: The PCNT c.2358A>G variant is predicted to result in the amino acid substitution p.Ile786Met. To our knowledge, this variant has not been reported in the literature. This variant is reported in 0.037% of alleles in individuals of Latino descent in gnomAD. At this time, the clinical significance of this variant is uncertain due to the absence of conclusive functional and genetic evidence.

NM_006031.6(PCNT):c.2358A>G (p.Ile786Met)

Gene: PCNT (pericentrin; plus strand). Cytogenetic location: 21q22.3.
Variant type: single nucleotide variant.
Coding change: c.2358A>G on transcript NM_006031.6 (MANE Select); coding-DNA position 2358, A replaced by G.
Protein change: p.Ile786Met; replaces isoleucine 786 with methionine.
Molecular consequence: missense variant.
Genome position (GRCh38, 1-based): chr21:46,363,683, A>G. VCF-style: chr21-46363683-A-G. GRCh37 (hg19) VCF-style: chr21-47783598-A-G.
Other names: c.2004A>G, p.Ile668Met (NM_001315529.2); short protein forms I668M, I786M.
Identifiers: ClinVar variation 895415 (VCV000895415.11), dbSNP rs777841149, ClinGen allele CA10078957.